The following is an entry in ClinVar:

ClinVar aggregate classification (germline): Uncertain significance (1 of 4 stars; one submission).

Allele frequency attached by ClinVar (database versions not stated): gnomAD exomes 0.00001; TOPMed 0.00001.
gnomAD v4.1: 3 of 1,613,386 alleles (0.00019%); highest among the groups gnomAD compares: Non-Finnish European, 0.00025%; no homozygotes.

Submission:

Labcorp Genetics (formerly Invitae), Labcorp
Classification: Uncertain significance. Last evaluated: 2024-10-22. Review status: criteria provided, single submitter. Criteria: Invitae Variant Classification Sherloc (09022015). Collection method: clinical testing. Allele origin: germline.
Comment: This sequence change replaces glutamine, which is neutral and polar, with histidine, which is basic and polar, at codon 316 of the LMX1B protein (p.Gln316His). This variant is present in population databases (rs779948246, gnomAD 0.002%). This variant has not been reported in the literature in individuals affected with LMX1B-related conditions. ClinVar contains an entry for this variant (Variation ID: 1965374). Invitae Evidence Modeling of protein sequence and biophysical properties (such as structural, functional, and spatial information, amino acid conservation, physicochemical variation, residue mobility, and thermodynamic stability) indicates that this missense variant is not expected to disrupt LMX1B protein function with a negative predictive value of 80%. In summary, the available evidence is currently insufficient to determine the role of this variant in disease. Therefore, it has been classified as a Variant of Uncertain Significance.

NM_001174147.2(LMX1B):c.948G>T (p.Gln316His)

Gene: LMX1B (LIM homeobox transcription factor 1 beta; plus strand). Cytogenetic location: 9q33.3.
Variant type: single nucleotide variant.
Coding change: c.948G>T on transcript NM_001174147.2 (MANE Select); coding-DNA position 948, G replaced by T.
Protein change: p.Gln316His; replaces glutamine 316 with histidine.
Molecular consequence: missense variant.
Genome position (GRCh38, 1-based): chr9:126,695,900, G>T. VCF-style: chr9-126695900-G-T. GRCh37 (hg19) VCF-style: chr9-129458179-G-T.
Other names: c.981G>T, p.Gln327His (NM_001174146.2); c.948G>T, p.Gln316His (NM_002316.4); short protein forms Q316H, Q327H.
Identifiers: ClinVar variation 1965374 (VCV001965374.5), dbSNP rs779948246, ClinGen allele CA5242492.
Genomic context (GRCh38, chr9:126,695,900, plus strand): 5'-GGTCCTGTCCAGCCGCATGGAGGGCATGATGGCTTCCTACACGCCGCTGGCCCCACCACA[G>T]CAGCAGATCGTGGCCATGGAACAGAGCCCCTACGGCAGCAGCGACCCCTTCCAGCAGGGC-3'
Protein context (NP_001167618.1, residues 306-326): MASYTPLAPP[Gln316His]QQIVAMEQSP